The following is an entry in ClinVar:

NM_001478.5(B4GALNT1):c.644A>G (p.Gln215Arg)

Gene: B4GALNT1 (beta-1,4-N-acetyl-galactosaminyltransferase 1; minus strand). Cytogenetic location: 12q13.3.
Variant type: single nucleotide variant.
Coding change: c.644A>G on transcript NM_001478.5 (MANE Select); coding-DNA position 644, A replaced by G.
Protein change: p.Gln215Arg; replaces glutamine 215 with arginine.
Molecular consequence: missense variant. On other transcripts: 5 prime UTR variant (4).
Genome position (GRCh38, 1-based): chr12:57,630,220, T>C on the plus strand (A>G on the coding strand, the complement: B4GALNT1 is on the minus strand). VCF-style: chr12-57630220-T-C. GRCh37 (hg19) VCF-style: chr12-58024003-T-C.
Other names: c.479A>G, p.Gln160Arg (NM_001276468.2, NM_001413978.1); c.644A>G, p.Gln215Arg (NM_001276469.2, NM_001413967.1, NM_001413968.1 and 9 more transcripts); c.-344A>G (NM_001413981.1, NM_001413982.1, NM_001413983.1 and 1 more transcripts); short protein forms Q215R, Q160R.
Identifiers: ClinVar variation 2694998 (VCV002694998.3), dbSNP rs2540668068, ClinGen allele CA385499661.

ClinVar aggregate classification (germline): Uncertain significance (1 of 4 stars; one submission).

Conditions:
Spastic paraplegia. Identifiers: MedGen C0037772, HP:0001258.

Submission:

Labcorp Genetics (formerly Invitae), Labcorp
Classification: Uncertain significance for Spastic paraplegia. Last evaluated: 2024-12-16. Review status: criteria provided, single submitter. Criteria: Invitae Variant Classification Sherloc (09022015). Collection method: clinical testing. Allele origin: germline.
Comment: This sequence change replaces glutamine, which is neutral and polar, with arginine, which is basic and polar, at codon 215 of the B4GALNT1 protein (p.Gln215Arg). This variant is not present in population databases (gnomAD no frequency). This variant has not been reported in the literature in individuals affected with B4GALNT1-related conditions. ClinVar contains an entry for this variant (Variation ID: 2694998). Invitae Evidence Modeling of protein sequence and biophysical properties (such as structural, functional, and spatial information, amino acid conservation, physicochemical variation, residue mobility, and thermodynamic stability) indicates that this missense variant is not expected to disrupt B4GALNT1 protein function with a negative predictive value of 80%. In summary, the available evidence is currently insufficient to determine the role of this variant in disease. Therefore, it has been classified as a Variant of Uncertain Significance.